The following is an entry in ClinVar:

NM_016239.4(MYO15A):c.1573G>A (p.Val525Met)

Gene: MYO15A (myosin XVA; plus strand). Cytogenetic location: 17p11.2.
Variant type: single nucleotide variant.
Coding change: c.1573G>A on transcript NM_016239.4 (MANE Select); coding-DNA position 1573, G replaced by A.
Protein change: p.Val525Met; replaces valine 525 with methionine.
Molecular consequence: missense variant.
Genome position (GRCh38, 1-based): chr17:18,120,373, G>A. VCF-style: chr17-18120373-G-A. GRCh37 (hg19) VCF-style: chr17-18023687-G-A.
Other names: short protein forms V525M.
Identifiers: ClinVar variation 2527436 (VCV002527436.3), dbSNP rs371936372, ClinGen allele CA8423125.

ClinVar aggregate classification (germline): Uncertain significance. Review status: criteria provided, multiple submitters, no conflicts (2 of 4 stars). 2 submissions from 2 submitters: Uncertain significance (2). Last evaluated 2024-03-15.

Conditions:
Inborn genetic diseases. Identifiers: MedGen C0950123, MeSH D030342.

Allele frequency attached by ClinVar (database versions not stated): gnomAD 0.00002; TOPMed 0.00005; gnomAD exomes 0.00007; ExAC 0.00009; ESP Exome Variant Server 0.00016.
gnomAD v4.1: 101 of 1,611,650 alleles (0.0063%); highest among the groups gnomAD compares: Middle Eastern, 0.016%; no homozygotes.

Submissions (2):

GeneDx
Classification: Uncertain significance. Last evaluated: 2024-03-15. Review status: criteria provided, single submitter. Criteria: GeneDx Variant Classification Process June 2021. Collection method: clinical testing. Allele origin: germline. Affected: yes.
Comment: In silico analysis supports that this missense variant does not alter protein structure/function; Has not been previously published as pathogenic or benign to our knowledge

Ambry Genetics
Classification: Uncertain significance for Inborn genetic diseases. Last evaluated: 2023-05-23. Review status: criteria provided, single submitter. Criteria: Ambry Variant Classification Scheme 2023. Collection method: clinical testing. Allele origin: germline.